The following is an entry in ClinVar:

ClinVar aggregate classification (germline): Likely benign (0 of 4 stars; one submission).

Conditions:
FSIP2-related disorder. Also called: FSIP2-related condition.

Allele frequency attached by ClinVar (database versions not stated): ExAC 0.00022; 1000 Genomes Project 30x 0.00031; 1000 Genomes Project 0.00040.
gnomAD v4.1: 254 of 1,527,612 alleles (0.017%); highest among the groups gnomAD compares: East Asian, 0.33%; 3 homozygotes.

Submission:

PreventionGenetics, part of Exact Sciences
Classification: Likely benign for FSIP2-related condition. Last evaluated: 2019-06-18. Review status: no assertion criteria provided. Collection method: clinical testing. Allele origin: germline.
Comment: This variant is classified as likely benign based on ACMG/AMP sequence variant interpretation guidelines (Richards et al. 2015 PMID: 25741868, with internal and published modifications).

NM_173651.4(FSIP2):c.15252G>A (p.Ser5084=)

Gene: FSIP2 (fibrous sheath interacting protein 2; plus strand). Cytogenetic location: 2q32.1.
Variant type: single nucleotide variant.
Coding change: c.15252G>A on transcript NM_173651.4 (MANE Select); coding-DNA position 15252, G replaced by A.
Protein change: p.Ser5084=; no amino-acid change (serine 5084 retained).
Molecular consequence: synonymous variant.
Genome position (GRCh38, 1-based): chr2:185,804,558, G>A. VCF-style: chr2-185804558-G-A. GRCh37 (hg19) VCF-style: chr2-186669285-G-A.
Identifiers: ClinVar variation 3033782 (VCV003033782.2), dbSNP rs567964724, ClinGen allele CA2017110.